The following is an entry in ClinVar:

ClinVar aggregate classification (germline): Conflicting classifications of pathogenicity. Review status: criteria provided, conflicting classifications (1 of 4 stars). 5 submissions from 5 submitters: Uncertain significance (4); Likely benign (1). Last evaluated 2025-11-24.

Conditions:
Hereditary cancer-predisposing syndrome. Also called: Neoplastic Syndromes, Hereditary; Tumor predisposition; Hereditary neoplastic syndrome; Hereditary Cancer Syndrome. Identifiers: Orphanet 140162, MedGen C0027672, MeSH D009386, MONDO:0015356.
Hereditary breast ovarian cancer syndrome. Also called: Hereditary breast and ovarian cancer; Hereditary breast and ovarian cancer syndrome (HBOC); Hereditary breast and/or ovarian cancer syndrome; BRCA1- and BRCA2-Associated Hereditary Breast and Ovarian Cancer; Breast and ovarian cancer; Hereditary breast and ovarian cancer syndrome. Identifiers: Orphanet 145, MedGen C0677776, MeSH D061325, MONDO:0003582. Disease mechanism: loss of function.
Breast-ovarian cancer, familial, susceptibility to, 2 (BROVCA2). Also called: BRCA2 Hereditary Breast and Ovarian Cancer. Identifiers: Orphanet 145, MedGen C2675520, MONDO:0012933, OMIM 612555. Disease mechanism: loss of function.

Submissions (5):

Dasa
Classification: Uncertain significance for Breast-ovarian cancer, familial, susceptibility to, 2. Last evaluated: 2025-11-24. Review status: criteria provided, single submitter. Criteria: DASA Assertion Criteria. Collection method: clinical testing. Allele origin: germline.
Comment: NM_000059.4(BRCA2):c.9037A>G (p.Thr3013Ala) is a missense variant that results in the substitution of threonine with alanine. This variant is absent from population databases. Computational prediction algorithms are consistent with a benign effect. The currently available literature and clinical evidence are not sufficient to establish a definitive association between this variant and the reported condition. Therefore, this variant is classified as a variant of uncertain significance.

Women's Health and Genetics/Laboratory Corporation of America, LabCorp
Classification: Uncertain significance. Last evaluated: 2025-07-17. Review status: criteria provided, single submitter. Criteria: LabCorp Variant Classification Summary - May 2015. Collection method: clinical testing. Allele origin: germline.
Comment: Variant summary: BRCA2 c.9037A>G (p.Thr3013Ala) results in a non-conservative amino acid change in the encoded protein sequence. Algorithms developed to predict the effect of missense changes on protein structure and function are either unavailable or do not agree on the potential impact of this missense change. The variant was absent in 250466 control chromosomes. The available data on variant occurrences in the general population are insufficient to allow any conclusion about variant significance. To our knowledge, no occurrence of c.9037A>G in individuals affected with Hereditary Breast And Ovarian Cancer Syndrome and no experimental evidence demonstrating its impact on protein function have been reported. ClinVar contains an entry for this variant (Variation ID: 479304). Based on the evidence outlined above, the variant was classified as uncertain significance.

GeneDx
Classification: Uncertain significance. Last evaluated: 2023-01-31. Review status: criteria provided, single submitter. Criteria: GeneDx Variant Classification Process June 2021. Collection method: clinical testing. Allele origin: germline. Affected: yes.
Comment: Not observed at significant frequency in large population cohorts (gnomAD); In silico analysis supports that this missense variant does not alter protein structure/function; Has not been previously published as pathogenic or benign to our knowledge; Also known as 9265A>G; This variant is associated with the following publications: (PMID: 31911673, 12228710)

Labcorp Genetics (formerly Invitae), Labcorp
Classification: Uncertain significance for Hereditary breast ovarian cancer syndrome. Last evaluated: 2022-08-23. Review status: criteria provided, single submitter. Criteria: Invitae Variant Classification Sherloc (09022015). Collection method: clinical testing. Allele origin: germline.
Comment: In summary, the available evidence is currently insufficient to determine the role of this variant in disease. Therefore, it has been classified as a Variant of Uncertain Significance. Advanced modeling of protein sequence and biophysical properties (such as structural, functional, and spatial information, amino acid conservation, physicochemical variation, residue mobility, and thermodynamic stability) performed at Invitae indicates that this missense variant is not expected to disrupt BRCA2 protein function. ClinVar contains an entry for this variant (Variation ID: 479304). This variant has not been reported in the literature in individuals affected with BRCA2-related conditions. This variant is not present in population databases (gnomAD no frequency). This sequence change replaces threonine, which is neutral and polar, with alanine, which is neutral and non-polar, at codon 3013 of the BRCA2 protein (p.Thr3013Ala).

Ambry Genetics
Classification: Likely benign for Hereditary cancer-predisposing syndrome. Last evaluated: 2016-03-02. Review status: criteria provided, single submitter. Criteria: Ambry Variant Classification Scheme 2023. Collection method: clinical testing. Allele origin: germline.

NM_000059.4(BRCA2):c.9037A>G (p.Thr3013Ala)

Gene: BRCA2 (BRCA2 DNA repair associated; plus strand). Cytogenetic location: 13q13.1.
Variant type: single nucleotide variant.
Coding change: c.9037A>G on transcript NM_000059.4 (MANE Select); coding-DNA position 9037, A replaced by G.
Protein change: p.Thr3013Ala; replaces threonine 3013 with alanine.
Molecular consequence: missense variant.
Genome position (GRCh38, 1-based): chr13:32,379,833, A>G. VCF-style: chr13-32379833-A-G. GRCh37 (hg19) VCF-style: chr13-32953970-A-G.
Other names: short protein forms T3013A.
Identifiers: ClinVar variation 479304 (VCV000479304.16), dbSNP rs1555288470, ClinGen allele CA387757515.